The following is an entry in ClinVar:

NM_001374828.1(ARID1B):c.4301del (p.Asn1434fs)

Gene: ARID1B (AT-rich interaction domain 1B; plus strand). Cytogenetic location: 6q25.3.
Variant type: Deletion.
Coding change: c.4301del on transcript NM_001374828.1 (MANE Select); coding-DNA position 4301, one base deleted (A; older notation c.4301delA).
Protein change: p.Asn1434fs; shifts the reading frame from asparagine 1434.
Molecular consequence: frameshift variant.
Genome position (GRCh38, 1-based): chr6:157,196,234, A deleted; the last of 2 consecutive A bases (chr6:157,196,233-157,196,234); deleting either gives the same sequence. VCF-style (leftmost placement, unchanged base first): chr6-157196232-CA-C. GRCh37 (hg19) VCF-style: chr6-157517366-CA-C.
Other names: c.3932del (NM_020732.3); c.1802del, p.Asn601fs (NM_001363725.2); c.4181del, p.Asn1394fs (NM_001371656.1, NM_001374820.1); c.4142del, p.Asn1381fs (NM_017519.3); short protein forms N1381fs, N1394fs, N601fs, N1434fs.
Identifiers: ClinVar variation 951862 (VCV000951862.7), dbSNP rs1793713030, ClinGen allele CA1139659895.

ClinVar aggregate classification (germline): Pathogenic (1 of 4 stars; one submission).

Submission:

Labcorp Genetics (formerly Invitae), Labcorp
Classification: Pathogenic. Last evaluated: 2019-05-29. Review status: criteria provided, single submitter. Criteria: Invitae Variant Classification Sherloc (09022015). Collection method: clinical testing. Allele origin: germline.
Comment: For these reasons, this variant has been classified as Pathogenic. This sequence change creates a premature translational stop signal (p.Asn1311Thrfs*137) in the ARID1B gene. It is expected to result in an absent or disrupted protein product. This variant is not present in population databases (ExAC no frequency). This variant has not been reported in the literature in individuals with ARID1B-related conditions. Loss-of-function variants in ARID1B are known to be pathogenic (PMID: 24674232, 25674384).

Literature cited by the submitters: PubMed 24674232; PubMed 25674384.